The following is an entry in ClinVar:

ClinVar aggregate classification (germline): Uncertain significance. Review status: criteria provided, multiple submitters, no conflicts (2 of 4 stars). 2 submissions from 2 submitters: Uncertain significance (2). Last evaluated 2024-02-28.

Conditions:
Acrocallosal syndrome (ACLS). Also called: HALLUX DUPLICATION, POSTAXIAL POLYDACTYLY, AND ABSENCE OF CORPUS CALLOSUM; Schinzel syndrome 1; Absence of corpus callosum with unusual facial appearance, mental deficiency, duplication of the halluces and polydactyly. Identifiers: Orphanet 36, MedGen C0796147, MONDO:0008708, OMIM 200990.
Multiple epiphyseal dysplasia, Al-Gazali type. Also called: Macrocephaly with multiple epiphyseal dysplasia and distinctive facies. Identifiers: Orphanet 166024, MedGen C1846722, MONDO:0011778, OMIM 607131.
Hydrolethalus syndrome 2 (HLS2). Identifiers: Orphanet 2189, MedGen C3279899, MONDO:0013585, OMIM 614120.

Submissions (2):

Fulgent Genetics
Classification: Uncertain significance for Acrocallosal syndrome; Multiple epiphyseal dysplasia, Al-Gazali type; Hydrolethalus syndrome 2. Last evaluated: 2024-02-28. Review status: criteria provided, single submitter. Criteria: ACMG Guidelines, 2015. Collection method: clinical testing. Allele origin: germline.

Labcorp Genetics (formerly Invitae), Labcorp
Classification: Uncertain significance for Acrocallosal syndrome. Last evaluated: 2022-03-20. Review status: criteria provided, single submitter. Criteria: Invitae Variant Classification Sherloc (09022015). Collection method: clinical testing. Allele origin: germline.
Comment: This sequence change replaces arginine, which is basic and polar, with glycine, which is neutral and non-polar, at codon 390 of the KIF7 protein (p.Arg390Gly). The frequency data for this variant in the population databases is considered unreliable, as metrics indicate insufficient coverage at this position in the gnomAD database. This variant has not been reported in the literature in individuals affected with KIF7-related conditions. Algorithms developed to predict the effect of missense changes on protein structure and function are either unavailable or do not agree on the potential impact of this missense change (SIFT: "Deleterious"; PolyPhen-2: "Benign"; Align-GVGD: "Class C0"). In summary, the available evidence is currently insufficient to determine the role of this variant in disease. Therefore, it has been classified as a Variant of Uncertain Significance.

NM_198525.3(KIF7):c.1168C>G (p.Arg390Gly)

Gene: KIF7 (kinesin family member 7; minus strand). Cytogenetic location: 15q26.1.
Variant type: single nucleotide variant.
Coding change: c.1168C>G on transcript NM_198525.3 (MANE Select); coding-DNA position 1168, C replaced by G.
Protein change: p.Arg390Gly; replaces arginine 390 with glycine.
Molecular consequence: missense variant.
Genome position (GRCh38, 1-based): chr15:89,648,530, G>C on the plus strand (C>G on the coding strand, the complement: KIF7 is on the minus strand). VCF-style: chr15-89648530-G-C. GRCh37 (hg19) VCF-style: chr15-90191761-G-C.
Other names: short protein forms R390G.
Identifiers: ClinVar variation 2157498 (VCV002157498.5), dbSNP rs1964060352, ClinGen allele CA393772103.